The following is an entry in ClinVar:

ClinVar aggregate classification (germline): Likely pathogenic. Review status: criteria provided, multiple submitters, no conflicts (2 of 4 stars). 2 submissions from 2 submitters: Likely pathogenic (2). Last evaluated 2025-11-05.

Conditions:
Autosomal recessive nonsyndromic hearing loss 2. Also called: DEAFNESS, AUTOSOMAL RECESSIVE 2; NEUROSENSORY NONSYNDROMIC RECESSIVE DEAFNESS 2. Identifiers: Orphanet 90636, MedGen C1838701, MONDO:0010807, OMIM 600060.

Allele frequency attached by ClinVar (database versions not stated): gnomAD exomes 0.00001.
gnomAD v4.1: 5 of 1,613,796 alleles (0.00031%); highest among the groups gnomAD compares: Non-Finnish European, 0.00042%; no homozygotes.

Submissions (2):

Labcorp Genetics (formerly Invitae), Labcorp
Classification: Likely pathogenic. Last evaluated: 2025-11-05. Review status: criteria provided, single submitter. Criteria: Invitae Variant Classification Sherloc (09022015). Collection method: clinical testing. Allele origin: germline.
Comment: This sequence change replaces leucine, which is neutral and non-polar, with glutamine, which is neutral and polar, at codon 236 of the MYO7A protein (p.Leu236Gln). This variant is not present in population databases (gnomAD no frequency). This missense change has been observed in individual(s) with Usher syndrome (PMID: 25404053). ClinVar contains an entry for this variant (Variation ID: 2137199). Invitae Evidence Modeling of protein sequence and biophysical properties (such as structural, functional, and spatial information, amino acid conservation, physicochemical variation, residue mobility, and thermodynamic stability) indicates that this missense variant is expected to disrupt MYO7A protein function with a positive predictive value of 95%. In summary, the currently available evidence indicates that the variant is pathogenic, but additional data are needed to prove that conclusively. Therefore, this variant has been classified as Likely Pathogenic.

Clinical Genetics Service, Universitary Hospital 12 de Octubre
Classification: Likely pathogenic for Autosomal recessive nonsyndromic hearing loss 2. Review status: criteria provided, single submitter. Criteria: ACMG Guidelines, 2015. Collection method: clinical testing. Allele origin: paternal. Affected: yes.

Literature cited by the submitters: PubMed 25404053 (cited by Labcorp Genetics (formerly Invitae), Labcorp).

NM_000260.4(MYO7A):c.707T>A (p.Leu236Gln)

Gene: MYO7A (myosin VIIA; plus strand). Cytogenetic location: 11q13.5.
Variant type: single nucleotide variant.
Coding change: c.707T>A on transcript NM_000260.4 (MANE Select); coding-DNA position 707, T replaced by A.
Protein change: p.Leu236Gln; replaces leucine 236 with glutamine.
Molecular consequence: missense variant.
Genome position (GRCh38, 1-based): chr11:77,156,976, T>A. VCF-style: chr11-77156976-T-A. GRCh37 (hg19) VCF-style: chr11-76868022-T-A.
Other names: c.707T>A, p.Leu236Gln (NM_001127180.2); c.674T>A, p.Leu225Gln (NM_001369365.1); short protein forms L225Q, L236Q.
Identifiers: ClinVar variation 2137199 (VCV002137199.5), dbSNP rs2496752260, ClinGen allele CA381932261.